The following is an entry in ClinVar:

NM_001370181.1(GSTCD):c.406T>A (p.Cys136Ser)

Gene: GSTCD (glutathione S-transferase C-terminal domain containing; plus strand). Cytogenetic location: 4q24.
Variant type: single nucleotide variant.
Coding change: c.406T>A on transcript NM_001370181.1 (MANE Select); coding-DNA position 406, T replaced by A.
Protein change: p.Cys136Ser; replaces cysteine 136 with serine.
Molecular consequence: missense variant. On other transcripts: intron variant (1).
Genome position (GRCh38, 1-based): chr4:105,718,019, T>A. VCF-style: chr4-105718019-T-A. GRCh37 (hg19) VCF-style: chr4-106639176-T-A.
Other names: c.406T>A, p.Cys136Ser (NM_001031720.3); c.165+241T>A (NM_024751.3); short protein forms C136S.
Identifiers: ClinVar variation 3777812 (VCV003777812.7).

ClinVar aggregate classification (germline): Likely benign (1 of 4 stars; one submission).

gnomAD v4.1: 6,334 of 1,607,030 alleles (0.39%); highest among the groups gnomAD compares: Middle Eastern, 0.86%; 33 homozygotes.

Submission:

CeGaT Center for Human Genetics Tuebingen
Classification: Likely benign. Last evaluated: 2025-03-01. Review status: criteria provided, single submitter. Criteria: CeGaT Center For Human Genetics Tuebingen Variant Classification Criteria Version 2. Collection method: clinical testing. Allele origin: germline. Affected: yes. Observed: 1 variant allele.
Comment: GSTCD: BS2